The following is an entry in ClinVar:

ClinVar aggregate classification (germline): Conflicting classifications of pathogenicity. Review status: criteria provided, conflicting classifications (1 of 4 stars). 3 submissions from 3 submitters: Likely pathogenic (1); Uncertain significance (1). 1 of the submissions does not count toward it. Last evaluated 2025-09-02.

Conditions:
Neuronal ceroid lipofuscinosis 2. Also called: JANSKY-BIELSCHOWSKY DISEASE NEURONAL CEROID LIPOFUSCINOSIS, LATE INFANTILE; TPP1-Related Neuronal Ceroid-Lipofuscinosis. Identifiers: Orphanet 168491, Orphanet 228349, Orphanet 79264, MedGen C1876161, MONDO:0008769, OMIM 204500.

Submissions (4):

Myriad Genetics, Inc.
Classification: Uncertain significance for Neuronal ceroid lipofuscinosis 2. Last evaluated: 2025-09-02. Review status: criteria provided, single submitter. Criteria: Myriad Autosomal Dominant, Autosomal Recessive and X-Linked Classification Criteria (2023). Collection method: clinical testing. Allele origin: unknown.
Comment: NM_000391.3(TPP1):c.649G>A(G217S) is a missense variant classified as a variant of uncertain significance in the context of TPP1-related neuronal ceroid lipofuscinosis. G217S has not been observed in cases with relevant disease. Relevant functional assessments of this variant are not available in the literature. G217S has not been observed in referenced population frequency databases. In summary, there is insufficient evidence to classify NM_000391.3(TPP1):c.649G>A(G217S) as pathogenic or benign. Please note: this variant was assessed in the context of healthy population screening.

Labcorp Genetics (formerly Invitae), Labcorp
Classification: Likely pathogenic. Last evaluated: 2023-07-07. Review status: criteria provided, single submitter. Criteria: Invitae Variant Classification Sherloc (09022015). Collection method: clinical testing. Allele origin: germline.
Comment: In summary, the currently available evidence indicates that the variant is pathogenic, but additional data are needed to prove that conclusively. Therefore, this variant has been classified as Likely Pathogenic. This variant disrupts the p.Gly217 amino acid residue in TPP1. Other variant(s) that disrupt this residue have been determined to be pathogenic (PMID: 22245569, 34992632; Invitae). This suggests that this residue is clinically significant, and that variants that disrupt this residue are likely to be disease-causing. Advanced modeling of protein sequence and biophysical properties (such as structural, functional, and spatial information, amino acid conservation, physicochemical variation, residue mobility, and thermodynamic stability) performed at Invitae indicates that this missense variant is expected to disrupt TPP1 protein function. This variant has not been reported in the literature in individuals affected with TPP1-related conditions. This variant is not present in population databases (gnomAD no frequency). This sequence change replaces glycine, which is neutral and non-polar, with serine, which is neutral and polar, at codon 217 of the TPP1 protein (p.Gly217Ser).

Natera, Inc.
Classification: Uncertain significance for Neuronal ceroid lipofuscinosis 2. Last evaluated: 2025-04-09. Review status: no assertion criteria provided. Collection method: clinical testing. Allele origin: germline. Not counted in ClinVar's aggregate classification.

Dr. Peter K. Rogan Lab, Western University
No classification provided (evidence only). Condition: Cervical cancer. Review status: no classification provided. Collection method: in vitro. Allele origin: not applicable. Functional consequence: retained intron. Not counted in ClinVar's aggregate classification.

Literature cited by the submitters: PubMed 22245569 (cited by Labcorp Genetics (formerly Invitae), Labcorp); PubMed 34992632 (cited by Labcorp Genetics (formerly Invitae), Labcorp).

NM_000391.4(TPP1):c.649G>A (p.Gly217Ser)

Gene: TPP1 (tripeptidyl peptidase 1; minus strand). Cytogenetic location: 11p15.4.
Variant type: single nucleotide variant.
Coding change: c.649G>A on transcript NM_000391.4 (MANE Select); coding-DNA position 649, G replaced by A.
Protein change: p.Gly217Ser; replaces glycine 217 with serine.
Molecular consequence: missense variant.
Genome position (GRCh38, 1-based): chr11:6,617,013, C>T on the plus strand (G>A on the coding strand, the complement: TPP1 is on the minus strand). VCF-style: chr11-6617013-C-T. GRCh37 (hg19) VCF-style: chr11-6638244-C-T.
Other names: c.649G>A (NM_000391.3); short protein forms G217S.
Identifiers: ClinVar variation 2803181 (VCV002803181.6), dbSNP rs1330875156, ClinGen allele CA379475384.